The following is an entry in ClinVar:

NM_002474.3(MYH11):c.4849G>A (p.Ala1617Thr)

Genes: MYH11 (myosin heavy chain 11; minus strand), NDE1 (nudE neurodevelopment protein 1; plus strand). Cytogenetic location: 16p13.11.
Variant type: single nucleotide variant.
Coding change: c.4849G>A on transcript NM_002474.3 (MANE Select); coding-DNA position 4849, G replaced by A.
Protein change: p.Ala1617Thr; replaces alanine 1617 with threonine.
Molecular consequence: missense variant. On other transcripts: intron variant (2).
Genome position (GRCh38, 1-based): chr16:15,720,255, C>T on the plus strand (G>A on the coding strand, the complement: MYH11 is on the minus strand). VCF-style: chr16-15720255-C-T. GRCh37 (hg19) VCF-style: chr16-15814112-C-T.
Other names: c.4870G>A, p.Ala1624Thr (NM_001040113.2, NM_001040114.2); c.4849G>A, p.Ala1617Thr (NM_022844.3); c.948-3936C>T (NM_001143979.2, NM_017668.3); short protein forms A1617T, A1624T.
Identifiers: ClinVar variation 919627 (VCV000919627.4), dbSNP rs2040395983, ClinGen allele CA394852611.

ClinVar aggregate classification (germline): Uncertain significance (1 of 4 stars; one submission).

Conditions:
Familial thoracic aortic aneurysm and aortic dissection (TAAD). Also called: Thoracic aortic aneurysms and dissections. Identifiers: Orphanet 91387, MedGen C4707243, MONDO:0019625.

Submission:

Color Diagnostics, LLC DBA Color Health
Classification: Uncertain significance for Familial thoracic aortic aneurysm and aortic dissection. Last evaluated: 2024-03-06. Review status: criteria provided, single submitter. Criteria: ACMG Guidelines, 2015. Collection method: clinical testing. Allele origin: germline.
Comment: This missense variant replaces alanine with threonine at codon 1624 of the MYH11 protein. Computational prediction suggests that this variant may not impact protein structure and function (internally defined REVEL score threshold <= 0.5, PMID: 27666373). Splice site prediction tools suggest that this variant may not impact RNA splicing. To our knowledge, functional studies have not been performed for this variant. This variant has not been reported in individuals affected with cardiovascular disorders in the literature. This variant has not been identified in the general population by the Genome Aggregation Database (gnomAD). The available evidence is insufficient to determine the role of this variant in disease conclusively. Therefore, this variant is classified as a Variant of Uncertain Significance.